The following is an entry in ClinVar:

ClinVar aggregate classification (germline): Likely benign (1 of 4 stars; one submission).

Conditions:
AK2-related disorder. Also called: AK2-related condition.

Submission:

PreventionGenetics, part of Exact Sciences
Classification: Likely benign for AK2-related condition. Last evaluated: 2024-12-18. Review status: criteria provided, single submitter. Criteria: ACMG Guidelines, 2015. Collection method: clinical testing. Allele origin: germline.
Comment: This variant is classified as likely benign based on ACMG/AMP sequence variant interpretation guidelines (Richards et al. 2015 PMID: 25741868, with internal and published modifications).

NM_001625.4(AK2):c.*2345_*2346insCAA

Gene: AK2 (adenylate kinase 2; minus strand). Cytogenetic location: 1p35.1.
Variant type: Insertion.
Coding change: c.*2345_*2346insCAA on transcript NM_001625.4 (MANE Select); 2345 bases downstream of the stop codon through 2346 bases downstream of the stop codon, CAA inserted.
Molecular consequence: 3 prime UTR variant. On other transcripts: intron variant (5).
Genome position: GRCh38 VCF-style: chr1-33010835-T-TTTG. GRCh37 (hg19) VCF-style: chr1-33476436-T-TTTG.
Other names: c.*2345_*2346insCAA (NM_001319140.2); c.*2568_*2569insCAA (NM_001319143.2); c.695-3_695-2insCAA (NM_013411.5); c.569-3_569-2insCAA (NM_001319142.3); c.671-3_671-2insCAA (NM_001199199.3); c.*45-3_*45-2insCAA (NM_001319141.3); c.551-3_551-2insCAA (NM_001319139.3).
Identifiers: ClinVar variation 4988731 (VCV004988731.1).
Genomic context (GRCh38, chr1:33,010,835, plus strand): 5'-GGATCACGCCGCGGGGTGATGAGCAGTGTTGCAGTCTCGCCTGGCCTTCTGATACTAGGC[T>TTTG]GAAATAGAGAGGAAACAAGAGAGAACAAAATGGGTTTTTAAAAACCAAGTACATATCAGA-3'